The following is an entry in ClinVar:

ClinVar aggregate classification (germline): Conflicting classifications of pathogenicity. Review status: criteria provided, conflicting classifications (1 of 4 stars). 3 submissions from 3 submitters: Uncertain significance (1); Likely benign (2). Last evaluated 2024-10-22.

Conditions:
CHARGE syndrome (CHARGE). Also called: Hittner Hirsch Kreh syndrome; CHARGE ASSOCIATION--COLOBOMA, HEART ANOMALY, CHOANAL ATRESIA, RETARDATION, GENITAL AND EAR ANOMALIES; Coloboma, heart anomaly, choanal atresia, retardation, genital and ear anomalies; CHARGE association; Hall-Hittner syndrome. Identifiers: Orphanet 138, MedGen C0265354, MONDO:0008965.

Allele frequency attached by ClinVar (database versions not stated): gnomAD exomes below 0.00001.
gnomAD v4.1: 2 of 1,614,054 alleles (0.00012%); highest among the groups gnomAD compares: Middle Eastern, 0.016%; no homozygotes.

Submissions (3):

Labcorp Genetics (formerly Invitae), Labcorp
Classification: Likely benign for CHARGE syndrome. Last evaluated: 2024-10-22. Review status: criteria provided, single submitter. Criteria: Invitae Variant Classification Sherloc (09022015). Collection method: clinical testing. Allele origin: germline.

CeGaT Center for Human Genetics Tuebingen
Classification: Likely benign. Last evaluated: 2023-01-01. Review status: criteria provided, single submitter. Criteria: CeGaT Center For Human Genetics Tuebingen Variant Classification Criteria Version 2. Collection method: clinical testing. Allele origin: germline. Affected: yes. Observed: 1 variant allele.
Comment: CHD7: BP4, BS2

GeneDx
Classification: Uncertain significance. Last evaluated: 2020-07-06. Review status: criteria provided, single submitter. Criteria: GeneDx Variant Classification Process June 2021. Collection method: clinical testing. Allele origin: germline. Affected: yes.
Comment: Has not been previously published as pathogenic or benign to our knowledge; Not observed at a significant frequency in large population cohorts (Lek et al., 2016); In silico analysis supports that this missense variant does not alter protein structure/function

NM_017780.4(CHD7):c.7460C>T (p.Ala2487Val)

Gene: CHD7 (chromodomain helicase DNA binding protein 7; plus strand). Cytogenetic location: 8q12.2.
Variant type: single nucleotide variant.
Coding change: c.7460C>T on transcript NM_017780.4 (MANE Select); coding-DNA position 7460, C replaced by T.
Protein change: p.Ala2487Val; replaces alanine 2487 with valine.
Molecular consequence: missense variant. On other transcripts: intron variant (1).
Genome position (GRCh38, 1-based): chr8:60,856,740, C>T. VCF-style: chr8-60856740-C-T. GRCh37 (hg19) VCF-style: chr8-61769299-C-T.
Other names: c.1717-5489C>T (NM_001316690.1); short protein forms A2487V.
Identifiers: ClinVar variation 1312985 (VCV001312985.28), dbSNP rs1349434680, ClinGen allele CA371301847.
Genomic context (GRCh38, chr8:60,856,740, plus strand): 5'-TGCCTAATGTCTCAACACCAGTGTCTGATGCCTTTAAGACTCAAATGGAACTGCTCCAAG[C>T]AGGCCTTTCGCGCACACCCACAAGGCATCTCCTTAATGGCTCCCTAGTGGATGGAGAGCC-3'
Protein context (NP_060250.2, residues 2477-2497): AFKTQMELLQ[Ala2487Val]GLSRTPTRHL